The following is an entry in ClinVar:

ClinVar aggregate classification (germline): Uncertain significance (1 of 4 stars; one submission).

Allele frequency attached by ClinVar (database versions not stated): gnomAD exomes below 0.00001.

Submission:

GeneDx
Classification: Uncertain significance. Last evaluated: 2023-04-17. Review status: criteria provided, single submitter. Criteria: GeneDx Variant Classification Process June 2021. Collection method: clinical testing. Allele origin: germline. Affected: yes.
Comment: Not observed at significant frequency in large population cohorts (gnomAD); In silico analysis supports that this missense variant does not alter protein structure/function; Has not been previously published as pathogenic or benign to our knowledge

NM_003850.3(SUCLA2):c.77G>A (p.Arg26Gln)

Genes: SUCLA2 (succinate-CoA ligase ADP-forming subunit beta; minus strand), LOC130009747 (ATAC-STARR-seq lymphoblastoid active region 7719; plus strand). Cytogenetic location: 13q14.2.
Variant type: single nucleotide variant.
Coding change: c.77G>A on transcript NM_003850.3 (MANE Select); coding-DNA position 77, G replaced by A.
Protein change: p.Arg26Gln; replaces arginine 26 with glutamine.
Molecular consequence: missense variant.
Genome position (GRCh38, 1-based): chr13:48,001,193, C>T on the plus strand (G>A on the coding strand, the complement: SUCLA2 is on the minus strand). VCF-style: chr13-48001193-C-T. GRCh37 (hg19) VCF-style: chr13-48575329-C-T.
Other names: short protein forms R26Q.
Identifiers: ClinVar variation 2663528 (VCV002663528.1), dbSNP rs2541720846, ClinGen allele CA388155227.